The following is an entry in ClinVar:

NM_058216.3(RAD51C):c.411G>T (p.Gln137His)

Gene: RAD51C (RAD51 paralog C; plus strand). Cytogenetic location: 17q22.
Variant type: single nucleotide variant.
Coding change: c.411G>T on transcript NM_058216.3 (MANE Select); coding-DNA position 411, G replaced by T.
Protein change: p.Gln137His; replaces glutamine 137 with histidine.
Molecular consequence: missense variant.
Genome position (GRCh38, 1-based): chr17:58,696,699, G>T. VCF-style: chr17-58696699-G-T. GRCh37 (hg19) VCF-style: chr17-56774060-G-T.
Other names: c.411G>T (LRG_314t1); short protein forms Q137H.
Identifiers: ClinVar variation 482177 (VCV000482177.16), dbSNP rs1555594552, ClinGen allele CA400343737.
Genomic context (GRCh38, chr17:58,696,699, plus strand): 5'-CACTACCTTAGATCATCATCATGATTTGGTTGTTTGTCATCTTTCTGTTGACAGTATGCA[G>T]TTGGCAGTAGATGTGCAGATACCAGAATGTTTTGGAGGAGTGGCAGGTGAAGCAGTTTTT-3'
Protein context (NP_478123.1, residues 127-147): PGVGKTQLCM[Gln137His]LAVDVQIPEC

ClinVar aggregate classification (germline): Uncertain significance. Review status: criteria provided, multiple submitters, no conflicts (2 of 4 stars). 3 submissions from 3 submitters: Uncertain significance (3). Last evaluated 2025-09-16.

Conditions:
Fanconi anemia complementation group O. Also called: RAD51C-Related Fanconi Anemia. Identifiers: Orphanet 84, MedGen C3150653, MONDO:0013248, OMIM 613390.
Hereditary cancer-predisposing syndrome. Also called: Hereditary neoplastic syndrome; Neoplastic Syndromes, Hereditary; Tumor predisposition; Hereditary Cancer Syndrome. Identifiers: Orphanet 140162, MedGen C0027672, MeSH D009386, MONDO:0015356.

Submissions (3):

Labcorp Genetics (formerly Invitae), Labcorp
Classification: Uncertain significance for Fanconi anemia complementation group O. Last evaluated: 2025-09-16. Review status: criteria provided, single submitter. Criteria: Invitae Variant Classification Sherloc (09022015). Collection method: clinical testing. Allele origin: germline.
Comment: This sequence change replaces glutamine, which is neutral and polar, with histidine, which is basic and polar, at codon 137 of the RAD51C protein (p.Gln137His). This variant is not present in population databases (gnomAD no frequency). This variant has not been reported in the literature in individuals affected with RAD51C-related conditions. ClinVar contains an entry for this variant (Variation ID: 482177). Invitae Evidence Modeling of protein sequence and biophysical properties (such as structural, functional, and spatial information, amino acid conservation, physicochemical variation, residue mobility, and thermodynamic stability) has been performed for this missense variant. However, the output from this modeling did not meet the statistical confidence thresholds required to predict the impact of this variant on RAD51C protein function. In summary, the available evidence is currently insufficient to determine the role of this variant in disease. Therefore, it has been classified as a Variant of Uncertain Significance.

Ambry Genetics
Classification: Uncertain significance for Hereditary cancer-predisposing syndrome. Last evaluated: 2025-07-12. Review status: criteria provided, single submitter. Criteria: Ambry Variant Classification Scheme 2023. Collection method: clinical testing. Allele origin: germline.
Comment: The p.Q137H variant (also known as c.411G>T), located in coding exon 3 of the RAD51C gene, results from a G to T substitution at nucleotide position 411. The glutamine at codon 137 is replaced by histidine, an amino acid with highly similar properties. This amino acid position is highly conserved in available vertebrate species. In addition, the in silico prediction for this alteration is inconclusive. Since supporting evidence is limited at this time, the clinical significance of this alteration remains unclear.

Women's Health and Genetics/Laboratory Corporation of America, LabCorp
Classification: Uncertain significance. Last evaluated: 2024-01-14. Review status: criteria provided, single submitter. Criteria: LabCorp Variant Classification Summary - May 2015. Collection method: clinical testing. Allele origin: germline.